The following is an entry in ClinVar:

ClinVar aggregate classification (germline): Uncertain significance (1 of 4 stars; one submission).

Conditions:
Hereditary cryohydrocytosis with reduced stomatin. Also called: Stomatin-deficient cryohydrocytosis with neurologic defects; GLUT1 DEFICIENCY SYNDROME WITH PSEUDOHYPERKALEMIA AND HEMOLYSIS. Identifiers: Orphanet 168577, MedGen C1837206, MONDO:0012143, OMIM 608885.

Submission:

Laboratory of Medical Genetics, National & Kapodistrian University of Athens
Classification: Uncertain significance for Hereditary cryohydrocytosis with reduced stomatin. Last evaluated: 2022-06-30. Review status: criteria provided, single submitter. Criteria: ACMG Guidelines, 2015. Collection method: clinical testing. Allele origin: germline. Affected: yes.
Comment: PM2, PP2, PP3

NM_006516.4(SLC2A1):c.484C>G (p.Leu162Val)

Gene: SLC2A1 (solute carrier family 2 member 1; minus strand). Cytogenetic location: 1p34.2.
Variant type: single nucleotide variant.
Coding change: c.484C>G on transcript NM_006516.4 (MANE Select); coding-DNA position 484, C replaced by G.
Protein change: p.Leu162Val; replaces leucine 162 with valine.
Molecular consequence: missense variant.
Genome position (GRCh38, 1-based): chr1:42,930,658, G>C on the plus strand (C>G on the coding strand, the complement: SLC2A1 is on the minus strand). VCF-style: chr1-42930658-G-C. GRCh37 (hg19) VCF-style: chr1-43396329-G-C.
Other names: short protein forms L162V.
Identifiers: ClinVar variation 1708118 (VCV001708118.1), dbSNP rs2524997390, ClinGen allele CA339960426.